The following is an entry in ClinVar:

ClinVar aggregate classification (germline): Uncertain significance (1 of 4 stars; one submission).

Conditions:
Microcephaly-intellectual disability-sensorineural hearing loss-epilepsy-abnormal muscle tone syndrome (NEDHSB). Also called: NEURODEVELOPMENTAL DISORDER WITH HEARING LOSS, SEIZURES, AND BRAIN ABNORMALITIES. Identifiers: Orphanet 457351, MedGen C4225276, MONDO:0014698, OMIM 616577.

Allele frequency attached by ClinVar (database versions not stated): gnomAD exomes below 0.00001.
gnomAD v4.1: 1 of 1,596,036 alleles (0.000063%); highest among the groups gnomAD compares: Non-Finnish European, 0.000085%; no homozygotes.

Submission:

Labcorp Genetics (formerly Invitae), Labcorp
Classification: Uncertain significance for Microcephaly-intellectual disability-sensorineural hearing loss-epilepsy-abnormal muscle tone syndrome. Last evaluated: 2023-04-24. Review status: criteria provided, single submitter. Criteria: Invitae Variant Classification Sherloc (09022015). Collection method: clinical testing. Allele origin: germline.
Comment: This sequence change replaces glutamic acid, which is acidic and polar, with glutamine, which is neutral and polar, at codon 842 of the SPATA5 protein (p.Glu842Gln). This variant is not present in population databases (gnomAD no frequency). This variant has not been reported in the literature in individuals affected with SPATA5-related conditions. ClinVar contains an entry for this variant (Variation ID: 1500432). Advanced modeling of protein sequence and biophysical properties (such as structural, functional, and spatial information, amino acid conservation, physicochemical variation, residue mobility, and thermodynamic stability) has been performed at Invitae for this missense variant, however the output from this modeling did not meet the statistical confidence thresholds required to predict the impact of this variant on SPATA5 protein function. In summary, the available evidence is currently insufficient to determine the role of this variant in disease. Therefore, it has been classified as a Variant of Uncertain Significance.

NM_145207.3(AFG2A):c.2524G>C (p.Glu842Gln)

Gene: AFG2A (AAA ATPase AFG2A; plus strand). Cytogenetic location: 4q28.1.
Variant type: single nucleotide variant.
Coding change: c.2524G>C on transcript NM_145207.3 (MANE Select); coding-DNA position 2524, G replaced by C.
Protein change: p.Glu842Gln; replaces glutamic acid 842 with glutamine.
Molecular consequence: missense variant.
Genome position (GRCh38, 1-based): chr4:123,313,906, G>C. VCF-style: chr4-123313906-G-C. GRCh37 (hg19) VCF-style: chr4-124235061-G-C.
Other names: c.2521G>C, p.Glu841Gln (NM_001345856.2); short protein forms E841Q, E842Q.
Identifiers: ClinVar variation 1500432 (VCV001500432.5), dbSNP rs2126180378, ClinGen allele CA358228691.
Genomic context (GRCh38, chr4:123,313,906, plus strand): 5'-GTTTTCTACCTCCTTTTATTTACTTATTTTTTAAAATTTCAGATTGTAGCTGTCTGCAGA[G>C]AGGCAGCTCTTCTGGCTCTGGAAGAAGACATTCAAGCCAATCTCATCATGAAAAGACATT-3'
Protein context (NP_660208.2, residues 832-852): SGAEIVAVCR[Glu842Gln]AALLALEEDI